The following is an entry in ClinVar:

NC_000012.11:g.(?_49298120)_(49488295_?)dup

Genes: ARF3 (ARF GTPase 3; minus strand), CCDC65 (coiled-coil domain containing 65; plus strand), DDN (dendrin; minus strand), DHH (desert hedgehog signaling molecule; minus strand), FKBP11 (FKBP prolyl isomerase 11; minus strand) and 5 more. Cytogenetic location: 12q13.12.
Variant type: Duplication.
Identifiers: ClinVar variation 3244280 (VCV003244280.1).

ClinVar aggregate classification (germline): Uncertain significance (1 of 4 stars; one submission).

Conditions:
Kabuki syndrome. Also called: NIIKAWA-KUROKI SYNDROME; Kabuki make-up syndrome. Identifiers: Orphanet 2322, MedGen C0796004, MONDO:0016512.

Submission:

Labcorp Genetics (formerly Invitae), Labcorp
Classification: Uncertain significance for Kabuki syndrome. Last evaluated: 2023-03-21. Review status: criteria provided, single submitter. Criteria: Invitae Variant Classification Sherloc (09022015). Collection method: clinical testing. Allele origin: unknown.
Comment: A copy number gain of the genomic region encompassing the full coding sequence of the KMT2D gene has been identified. The boundaries of this event are unknown as they extend beyond the assayed region for this gene and therefore may encompass additional genes. As the precise location of this event is unknown, it may be in tandem or it may be located elsewhere in the genome. In summary, the available evidence is currently insufficient to determine the role of this variant in disease. Therefore, it has been classified as a Variant of Uncertain Significance. This variant has not been reported in the literature in individuals affected with KMT2D-related conditions.